The following is an entry in ClinVar:

ClinVar aggregate classification (germline): Uncertain significance (1 of 4 stars; one submission).

Submission:

GeneDx
Classification: Uncertain significance. Last evaluated: 2020-01-28. Review status: criteria provided, single submitter. Criteria: GeneDx Variant Classification Process June 2021. Collection method: clinical testing. Allele origin: germline. Affected: yes.
Comment: Not observed in large population cohorts (Lek et al., 2016); In silico analysis supports that this missense variant has a deleterious effect on protein structure/function; Has not been previously published as pathogenic or benign to our knowledge

NM_001083619.3(GRIA2):c.787G>A (p.Val263Met)

Gene: GRIA2 (glutamate ionotropic receptor AMPA type subunit 2; plus strand). Cytogenetic location: 4q32.1.
Variant type: single nucleotide variant.
Coding change: c.787G>A on transcript NM_001083619.3 (MANE Select); coding-DNA position 787, G replaced by A.
Protein change: p.Val263Met; replaces valine 263 with methionine.
Molecular consequence: missense variant.
Genome position (GRCh38, 1-based): chr4:157,321,504, G>A. VCF-style: chr4-157321504-G-A. GRCh37 (hg19) VCF-style: chr4-158242656-G-A.
Other names: c.787G>A, p.Val263Met (NM_000826.6); c.646G>A, p.Val216Met (NM_001083620.3, NM_001379000.3, NM_001379001.3); short protein forms V216M, V263M.
Identifiers: ClinVar variation 1318970 (VCV001318970.2), dbSNP rs2126905576, ClinGen allele CA358646249.
Genomic context (GRCh38, chr4:157,321,504, plus strand): 5'-ACTGATGGAGACCTATTAAAAATCCAGTTTGGAGGTGCAAATGTCTCTGGATTTCAGATA[G>A]TGGACTATGATGATTCGTTGGTATCTAAATTTATAGAAAGATGGTCAACACTGGAAGAAA-3'
Protein context (NP_001077088.2, residues 253-273): GGANVSGFQI[Val263Met]DYDDSLVSKF